The following is an entry in ClinVar:

NM_153266.4(TMEM151A):c.815T>C (p.Val272Ala)

Gene: TMEM151A (transmembrane protein 151A; plus strand). Cytogenetic location: 11q13.2.
Variant type: single nucleotide variant.
Coding change: c.815T>C on transcript NM_153266.4 (MANE Select); coding-DNA position 815, T replaced by C.
Protein change: p.Val272Ala; replaces valine 272 with alanine.
Molecular consequence: missense variant.
Genome position (GRCh38, 1-based): chr11:66,295,061, T>C. VCF-style: chr11-66295061-T-C. GRCh37 (hg19) VCF-style: chr11-66062532-T-C.
Other names: short protein forms V272A.
Identifiers: ClinVar variation 2444288 (VCV002444288.1), dbSNP rs774742558, ClinGen allele CA6118640.
Genomic context (GRCh38, chr11:66,295,061, plus strand): 5'-ATCTGGAGGCGCGCGAGGGCATGCACCTGAAGGACGTAGACTTCCGCGAGTCGCTCATGG[T>C]CTTCGCCGACCCCCGCAGCCCGCCCTGGTACGCGCGCGCCTGGGTCTTCTGGCTCGTGTC-3'
Protein context (NP_694998.1, residues 262-282): KDVDFRESLM[Val272Ala]FADPRSPPWY

ClinVar aggregate classification (germline): Uncertain significance (1 of 4 stars; one submission).

Conditions:
TMEM151A-related disorder. Also called: TMEM151A-related condition.

Allele frequency attached by ClinVar (database versions not stated): ExAC 0.00001; gnomAD exomes 0.00001.
gnomAD v4.1: 3 of 1,598,540 alleles (0.00019%); highest among the groups gnomAD compares: East Asian, 0.0067%; no homozygotes.

Submission:

3billion
Classification: Uncertain significance for TMEM151A-related disorder. Last evaluated: 2023-02-23. Review status: criteria provided, single submitter. Criteria: ACMG Guidelines, 2015. Collection method: clinical testing. Allele origin: unknown. Affected: yes.
Comment: The variant is not observed in the gnomAD v2.1.1 dataset. Same nucleotide change resulting in same amino acid change has been previously reported to be associated with TMEM151A -related disorder as assumed (i.e. paternity and maternity not confirmed) de novo in at least one similarly affected unrelated individual (PMID: 34820915). However, the evidence of pathogenicity is insufficient at this time. Therefore, this variant is classified as VUS according to the recommendation of ACMG/AMP guideline.

Literature cited by the submitters: PubMed 34820915.